The following is an entry in ClinVar:

ClinVar aggregate classification (germline): Uncertain significance (1 of 4 stars; one submission).

gnomAD v4.1: 4 of 1,613,774 alleles (0.00025%); highest among the groups gnomAD compares: Non-Finnish European, 0.00034%; no homozygotes.

Submission:

CeGaT Center for Human Genetics Tuebingen
Classification: Uncertain significance. Last evaluated: 2024-07-01. Review status: criteria provided, single submitter. Criteria: CeGaT Center For Human Genetics Tuebingen Variant Classification Criteria Version 2. Collection method: clinical testing. Allele origin: germline. Affected: yes. Observed: 1 variant allele.
Comment: DEPDC5: PM2

NM_001242896.3(DEPDC5):c.203G>A (p.Ser68Asn)

Gene: DEPDC5 (DEP domain containing 5, GATOR1 subcomplex subunit; plus strand). Cytogenetic location: 22q12.2.
Variant type: single nucleotide variant.
Coding change: c.203G>A on transcript NM_001242896.3 (MANE Select); coding-DNA position 203, G replaced by A.
Protein change: p.Ser68Asn; replaces serine 68 with asparagine.
Molecular consequence: missense variant. On other transcripts: non-coding transcript variant (5).
Genome position (GRCh38, 1-based): chr22:31,764,984, G>A. VCF-style: chr22-31764984-G-A. GRCh37 (hg19) VCF-style: chr22-32160970-G-A.
Other names: c.203G>A, p.Ser68Asn (NM_001007188.4, NM_001136029.4, NM_001242897.2 and 9 more transcripts); short protein forms S68N.
Identifiers: ClinVar variation 3257261 (VCV003257261.17).